The following is an entry in ClinVar:

ClinVar aggregate classification (germline): Benign (1 of 4 stars; one submission).

Submission:

GeneDx
Classification: Benign. Last evaluated: 2018-06-14. Review status: criteria provided, single submitter. Criteria: GeneDx Variant Classification (06012015). Collection method: clinical testing. Allele origin: germline. Affected: yes.
Comment: This variant is considered likely benign or benign based on one or more of the following criteria: it is a conservative change, it occurs at a poorly conserved position in the protein, it is predicted to be benign by multiple in silico algorithms, and/or has population frequency not consistent with disease.

NM_001854.4(COL11A1):c.3816+291_3816+294del

Gene: COL11A1 (collagen type XI alpha 1 chain; minus strand). Cytogenetic location: 1p21.1.
Variant type: Microsatellite.
Coding change: c.3816+291_3816+294del on transcript NM_001854.4 (MANE Select); bases 291 to 294 of the intron after coding-DNA position 3816, 4 bases deleted (CAAA; older notation c.3816+291_3816+294delCAAA).
Molecular consequence: intron variant.
Genome position (GRCh38, 1-based): chr1:102,915,337-102,915,340, TTTG deleted on the plus strand (CAAA on the coding strand, the reverse complement: COL11A1 is on the minus strand); deleting any 4 consecutive bases within chr1:102,915,337-102,915,346 gives the same sequence; the c. name uses the placement nearest the transcript's 3' end. VCF-style (leftmost placement, unchanged base first): chr1-102915336-CTTTG-C. GRCh37 (hg19) VCF-style: chr1-103380892-CTTTG-C.
Other names: c.3699+291_3699+294del (NM_001190709.2); c.3852+291_3852+294del (NM_080629.3); c.3468+291_3468+294del (NM_080630.4).
Identifiers: ClinVar variation 681239 (VCV000681239.1), dbSNP rs3056626, ClinGen allele CA27677688.